The following is an entry in ClinVar:

ClinVar aggregate classification (germline): Uncertain significance (1 of 4 stars; one submission).

Submission:

Labcorp Genetics (formerly Invitae), Labcorp
Classification: Uncertain significance. Last evaluated: 2024-07-19. Review status: criteria provided, single submitter. Criteria: Invitae Variant Classification Sherloc (09022015). Collection method: clinical testing. Allele origin: germline.
Comment: This sequence change replaces leucine, which is neutral and non-polar, with valine, which is neutral and non-polar, at codon 83 of the RASA2 protein (p.Leu83Val). This variant is not present in population databases (gnomAD no frequency). This variant has not been reported in the literature in individuals affected with RASA2-related conditions. Advanced modeling of protein sequence and biophysical properties (such as structural, functional, and spatial information, amino acid conservation, physicochemical variation, residue mobility, and thermodynamic stability) performed at Invitae indicates that this missense variant is not expected to disrupt RASA2 protein function with a negative predictive value of 80%. In summary, the available evidence is currently insufficient to determine the role of this variant in disease. Therefore, it has been classified as a Variant of Uncertain Significance.

NM_006506.5(RASA2):c.247T>G (p.Leu83Val)

Gene: RASA2 (RAS p21 protein activator 2; plus strand). Cytogenetic location: 3q23.
Variant type: single nucleotide variant.
Coding change: c.247T>G on transcript NM_006506.5 (MANE Select); coding-DNA position 247, T replaced by G.
Protein change: p.Leu83Val; replaces leucine 83 with valine.
Molecular consequence: missense variant.
Genome position (GRCh38, 1-based): chr3:141,512,276, T>G. VCF-style: chr3-141512276-T-G. GRCh37 (hg19) VCF-style: chr3-141231118-T-G.
Other names: c.247T>G, p.Leu83Val (NM_001303245.3, NM_001303246.3); short protein forms L83V.
Identifiers: ClinVar variation 3676472 (VCV003676472.2).
Genomic context (GRCh38, chr3:141,512,276, plus strand): 5'-TTCTGTACCATAAATTTGGACCAGGAAGAAGTTTATCGTACCCAAGTTGTGGAAAAATCT[T>G]TAAGGTTGGTAGAAAAAATTGGTAAATTATAATTTTTACTATATAGATTGGTAAATATTA-3'
Protein context (NP_006497.2, residues 73-93): VYRTQVVEKS[Leu83Val]SPFFSEEFYF